The following is an entry in ClinVar:

NM_000540.3(RYR1):c.4958C>T (p.Ser1653Leu)

Gene: RYR1 (ryanodine receptor 1; plus strand). Cytogenetic location: 19q13.2.
Variant type: single nucleotide variant.
Coding change: c.4958C>T on transcript NM_000540.3 (MANE Select); coding-DNA position 4958, C replaced by T.
Protein change: p.Ser1653Leu; replaces serine 1653 with leucine.
Molecular consequence: missense variant.
Genome position (GRCh38, 1-based): chr19:38,485,613, C>T. VCF-style: chr19-38485613-C-T. GRCh37 (hg19) VCF-style: chr19-38976253-C-T.
Other names: NM_000540.3(RYR1):c.4958C>T; p.Ser1653Leu; c.4958C>T, p.Ser1653Leu (NM_001042723.2); c.4958C>T (NM_000540.2); short protein forms S1653L.
Identifiers: ClinVar variation 1485481 (VCV001485481.12), dbSNP rs1043661945, ClinGen allele CA308092804.

ClinVar aggregate classification (germline): Uncertain significance. Review status: criteria provided, multiple submitters, no conflicts (2 of 4 stars). 4 submissions from 4 submitters: Uncertain significance (4). Last evaluated 2026-07-07.

Conditions:
RYR1-related myopathy. Identifiers: Orphanet 98742, MedGen CN305348, MONDO:0100150.
RYR1-related disorder. Also called: RYR1-related condition; RYR1-related disorders. Identifiers: MedGen CN239331.
Inborn genetic diseases. Identifiers: MedGen C0950123, MeSH D030342.

Allele frequency attached by ClinVar (database versions not stated): gnomAD exomes 0.00001; TOPMed 0.00001; gnomAD 0.00001.
gnomAD v4.1: 5 of 1,609,674 alleles (0.00031%); highest among the groups gnomAD compares: Middle Eastern, 0.018%; no homozygotes.

Submissions (4):

Ambry Genetics
Classification: Uncertain significance for Inborn genetic diseases. Last evaluated: 2026-07-07. Review status: criteria provided, single submitter. Criteria: Ambry Variant Classification Scheme 2023. Collection method: clinical testing. Allele origin: germline.
Comment: The p.S1653L variant (also known as c.4958C>T), located in coding exon 34 of the RYR1 gene, results from a C to T substitution at nucleotide position 4958. The serine at codon 1653 is replaced by leucine, an amino acid with dissimilar properties. This amino acid position is conserved. In addition, the in silico prediction for this alteration is inconclusive. Based on the available evidence, the clinical significance of this variant remains unclear.

Labcorp Genetics (formerly Invitae), Labcorp
Classification: Uncertain significance for RYR1-related disorder. Last evaluated: 2025-08-06. Review status: criteria provided, single submitter. Criteria: Invitae Variant Classification Sherloc (09022015). Collection method: clinical testing. Allele origin: germline.
Comment: This sequence change replaces serine, which is neutral and polar, with leucine, which is neutral and non-polar, at codon 1653 of the RYR1 protein (p.Ser1653Leu). The frequency data for this variant in the population databases is considered unreliable, as metrics indicate poor data quality at this position in the gnomAD database. This variant has not been reported in the literature in individuals affected with RYR1-related conditions. ClinVar contains an entry for this variant (Variation ID: 1485481). Invitae Evidence Modeling of protein sequence and biophysical properties (such as structural, functional, and spatial information, amino acid conservation, physicochemical variation, residue mobility, and thermodynamic stability) indicates that this missense variant is not expected to disrupt RYR1 protein function with a negative predictive value of 80%. In summary, the available evidence is currently insufficient to determine the role of this variant in disease. Therefore, it has been classified as a Variant of Uncertain Significance.

Women's Health and Genetics/Laboratory Corporation of America, LabCorp
Classification: Uncertain significance. Last evaluated: 2025-04-02. Review status: criteria provided, single submitter. Criteria: LabCorp Variant Classification Summary - May 2015. Collection method: clinical testing. Allele origin: germline.
Comment: Variant summary: RYR1 c.4958C>T (p.Ser1653Leu) results in a non-conservative amino acid change in the encoded protein sequence. Four of four in-silico tools predict a damaging effect of the variant on protein function. The variant allele was found at a frequency of 8.1e-06 in 246034 control chromosomes. The available data on variant occurrences in the general population are insufficient to allow any conclusion about variant significance. To our knowledge, no occurrence of c.4958C>T in individuals affected with Congenital multicore myopathy with external ophthalmoplegia and no experimental evidence demonstrating its impact on protein function have been reported. ClinVar contains an entry for this variant (Variation ID: 1485481). Based on the evidence outlined above, the variant was classified as uncertain significance.

Broad Center for Mendelian Genomics, Broad Institute of MIT and Harvard
Classification: Uncertain significance for RYR1-related myopathy. Last evaluated: 2023-01-25. Review status: criteria provided, single submitter. Criteria: ACMG Guidelines, 2015. Collection method: curation. Allele origin: germline. Inheritance: Autosomal recessive inheritance.
Comment: The p.Ser1653Leu variant in RYR1 has not been previously reported in the literature in individuals with RYR1-related myopathy but has been identified in 0.005% (1/18516) of European (Finnish) chromosomes by the Genome Aggregation Database (gnomAD; dbSNP ID: rs1043661945). Although this variant has been seen in the general population in a heterozygous state, its frequency is low enough to be consistent with a recessive carrier frequency. This variant has also been reported in ClinVar (Variation ID: 1485481) and has been classified as a variant of uncertain significance by Invitae. Computational prediction tools and conservation analyses do not provide strong support for or against an impact to the protein. In summary, the clinical significance of the p.Ser1653Leu variant is uncertain. ACMG/AMP Criteria applied: PM2_Supporting (Richards 2015).